The following is an entry in ClinVar:

NM_001105206.3(LAMA4):c.1567G>A (p.Val523Met)

Gene: LAMA4 (laminin subunit alpha 4; minus strand). Cytogenetic location: 6q21.
Variant type: single nucleotide variant.
Coding change: c.1567G>A on transcript NM_001105206.3 (MANE Select); coding-DNA position 1567, G replaced by A.
Protein change: p.Val523Met; replaces valine 523 with methionine.
Molecular consequence: missense variant.
Genome position (GRCh38, 1-based): chr6:112,165,261, C>T on the plus strand (G>A on the coding strand, the complement: LAMA4 is on the minus strand). VCF-style: chr6-112165261-C-T. GRCh37 (hg19) VCF-style: chr6-112486463-C-T.
Other names: c.1546G>A, p.Val516Met (NM_001105207.3, NM_002290.5); short protein forms V523M, V516M.
Identifiers: ClinVar variation 1774941 (VCV001774941.2), dbSNP rs782711566, ClinGen allele CA365368304.

ClinVar aggregate classification (germline): Uncertain significance (1 of 4 stars; one submission).

Conditions:
Cardiovascular phenotype. Identifiers: MedGen CN230736.

gnomAD v4.1: 16 of 1,611,948 alleles (0.00099%); highest among the groups gnomAD compares: African/African-American, 0.0013%; no homozygotes.

Submission:

Ambry Genetics
Classification: Uncertain significance for Cardiovascular phenotype. Last evaluated: 2022-02-08. Review status: criteria provided, single submitter. Criteria: Ambry Variant Classification Scheme 2023. Collection method: clinical testing. Allele origin: germline.
Comment: The p.V516M variant (also known as c.1546G>A), located in coding exon 12 of the LAMA4 gene, results from a G to A substitution at nucleotide position 1546. The valine at codon 516 is replaced by methionine, an amino acid with highly similar properties. This amino acid position is conserved. In addition, this alteration is predicted to be tolerated by in silico analysis. Since supporting evidence is limited at this time, the clinical significance of this alteration remains unclear.